The following is an entry in ClinVar:

NC_000009.12:g.(?_21967752)_(21975133_?)del

Genes: CDKN2A (cyclin dependent kinase inhibitor 2A; minus strand), CDKN2A-AS1 (CDKN2A antisense RNA 1; plus strand), LOC130001603 (ATAC-STARR-seq lymphoblastoid silent region 19811; plus strand), LOC130001604 (ATAC-STARR-seq lymphoblastoid silent region 19812; plus strand). Cytogenetic location: 9p21.3.
Variant type: Deletion.
Identifiers: ClinVar variation 417813 (VCV000417813.1).

ClinVar aggregate classification (germline): Pathogenic (1 of 4 stars; one submission).

Conditions:
Familial melanoma. Also called: Hereditary melanoma; Hereditary cutaneous melanoma. Identifiers: Orphanet 618, MedGen C1512419, MONDO:0018961.

Submission:

Labcorp Genetics (formerly Invitae), Labcorp
Classification: Pathogenic for Familial melanoma. Last evaluated: 2017-01-16. Review status: criteria provided, single submitter. Criteria: Invitae Variant Classification Sherloc (09022015). Collection method: clinical testing. Allele origin: germline.
Comment: A gross deletion of the genomic region encompassing the full coding sequence of the CDKN2A gene has been identified. The boundaries of this event are unknown as the deletion extends beyond the assayed region for this gene and therefore may encompass additional genes. Loss-of-function variants in CDKN2A are known to be pathogenic. Whole-gene deletions have been reported to segregate with melanoma and nervous system tumors in two independent families (PMID: 9622062). For these reasons, this variant has been classified as Pathogenic.